The following is an entry in ClinVar:

NM_001563.4(IMPG1):c.468+6C>T

Gene: IMPG1 (interphotoreceptor matrix proteoglycan 1; minus strand). Cytogenetic location: 6q14.1.
Variant type: single nucleotide variant.
Coding change: c.468+6C>T on transcript NM_001563.4 (MANE Select); 6 bases into the intron after coding-DNA position 468, C replaced by T.
Molecular consequence: intron variant.
Genome position (GRCh38, 1-based): chr6:76,034,615, G>A on the plus strand (C>T on the coding strand, the complement: IMPG1 is on the minus strand). VCF-style: chr6-76034615-G-A. GRCh37 (hg19) VCF-style: chr6-76744332-G-A.
Other names: c.234+6C>T (NM_001282368.2).
Identifiers: ClinVar variation 2417347 (VCV002417347.7), dbSNP rs775835985, ClinGen allele CA3898530.
Genomic context (GRCh38, chr6:76,034,615, plus strand): 5'-CTAGGGGCTGGAGCCTGGGAACTGTTCGTGCAGTGTTCCAAATAACCATGTGGTGTTTAG[G>A]CTCACCTGCTGGAGAAGATCCAGGTGCTCCTGGGAATTGCTGAAGTTTTTTCCAATGTCA-3'

ClinVar aggregate classification (germline): Conflicting classifications of pathogenicity. Review status: criteria provided, conflicting classifications (1 of 4 stars). 2 submissions from 2 submitters: Uncertain significance (1); Likely benign (1). Last evaluated 2025-09-02.

Allele frequency attached by ClinVar (database versions not stated): TOPMed below 0.00001; gnomAD 0.00001; ExAC 0.00002.
gnomAD v4.1: 31 of 1,613,828 alleles (0.0019%); highest among the groups gnomAD compares: Non-Finnish European, 0.0022%; no homozygotes.

Submissions (2):

Labcorp Genetics (formerly Invitae), Labcorp
Classification: Uncertain significance. Last evaluated: 2025-09-02. Review status: criteria provided, single submitter. Criteria: Invitae Variant Classification Sherloc (09022015). Collection method: clinical testing. Allele origin: germline.
Comment: This sequence change falls in intron 3 of the IMPG1 gene. It does not directly change the encoded amino acid sequence of the IMPG1 protein. It affects a nucleotide within the consensus splice site. This variant is present in population databases (rs775835985, gnomAD 0.002%). This variant has not been reported in the literature in individuals affected with IMPG1-related conditions. ClinVar contains an entry for this variant (Variation ID: 2417347). Variants that disrupt the consensus splice site are a relatively common cause of aberrant splicing (PMID: 17576681, 9536098). Algorithms developed to predict the effect of sequence changes on RNA splicing suggest that this variant is not likely to affect RNA splicing. In summary, the available evidence is currently insufficient to determine the role of this variant in disease. Therefore, it has been classified as a Variant of Uncertain Significance.

Blueprint Genetics
Classification: Likely benign. Last evaluated: 2020-06-11. Review status: criteria provided, single submitter. Criteria: ACMG Guidelines, 2015. Collection method: clinical testing. Allele origin: germline.

Literature cited by the submitters: PubMed 17576681 (cited by Labcorp Genetics (formerly Invitae), Labcorp); PubMed 9536098 (cited by Labcorp Genetics (formerly Invitae), Labcorp).